The following is an entry in ClinVar:

NM_002234.4(KCNA5):c.904_905delinsCA (p.Gly302Gln)

Gene: KCNA5 (potassium voltage-gated channel subfamily A member 5; plus strand). Cytogenetic location: 12p13.32.
Variant type: Indel.
Coding change: c.904_905delinsCA on transcript NM_002234.4 (MANE Select); coding-DNA positions 904 to 905, GG replaced by CA.
Protein change: p.Gly302Gln; replaces glycine 302 with glutamine.
Molecular consequence: missense variant.
Genome position (GRCh38, 1-based): chr12:5,045,051-5,045,052, GG replaced by CA. VCF-style: chr12-5045051-GG-CA. GRCh37 (hg19) VCF-style: chr12-5154217-GG-CA.
Other names: short protein forms G302Q.
Identifiers: ClinVar variation 859386 (VCV000859386.8), dbSNP rs1862758690, ClinGen allele CA916083285.

ClinVar aggregate classification (germline): Uncertain significance (1 of 4 stars; one submission).

Conditions:
Atrial fibrillation, familial, 7 (ATFB7). Identifiers: MedGen C2677106, MONDO:0012828, OMIM 612240.

Submission:

Labcorp Genetics (formerly Invitae), Labcorp
Classification: Uncertain significance for Atrial fibrillation, familial, 7. Last evaluated: 2019-12-27. Review status: criteria provided, single submitter. Criteria: Invitae Variant Classification Sherloc (09022015). Collection method: clinical testing. Allele origin: germline.
Comment: In summary, the available evidence is currently insufficient to determine the role of this variant in disease. Therefore, it has been classified as a Variant of Uncertain Significance. Algorithms developed to predict the effect of missense changes on protein structure and function are either unavailable or do not agree on the potential impact of this missense change (SIFT: "Not Available"; PolyPhen-2: "Benign"; Align-GVGD: "Not Available"). This variant has not been reported in the literature in individuals with KCNA5-related conditions. The frequency data for this variant in the population databases is not available, as this variant may be reported as separate entries in the ExAC database. This sequence change replaces glycine with glutamine at codon 302 of the KCNA5 protein (p.Gly302Gln). The glycine residue is weakly conserved and there is a moderate physicochemical difference between glycine and glutamine.